The following is an entry in ClinVar:

ClinVar aggregate classification (germline): Likely benign (1 of 4 stars; one submission).

Allele frequency attached by ClinVar (database versions not stated): ExAC 0.00021; TOPMed 0.00040; gnomAD 0.00047; ESP Exome Variant Server 0.00050; gnomAD exomes 0.00058.
gnomAD v4.1: 708 of 1,209,613 alleles (0.059%); highest among the groups gnomAD compares: Non-Finnish European, 0.073%; 1 homozygote.

Submission:

CeGaT Center for Human Genetics Tuebingen
Classification: Likely benign. Last evaluated: 2022-07-01. Review status: criteria provided, single submitter. Criteria: CeGaT Center For Human Genetics Tuebingen Variant Classification Criteria Version 2. Collection method: clinical testing. Allele origin: germline. Affected: yes. Observed: 2 variant alleles.
Comment: FOXO4: BP4, BP7

NM_005938.4(FOXO4):c.1140C>T (p.Asp380=)

Gene: FOXO4 (forkhead box O4; plus strand). Cytogenetic location: Xq13.1.
Variant type: single nucleotide variant.
Coding change: c.1140C>T on transcript NM_005938.4 (MANE Select); coding-DNA position 1140, C replaced by T.
Protein change: p.Asp380=; no amino-acid change (aspartic acid 380 retained).
Molecular consequence: synonymous variant.
Genome position (GRCh38, 1-based): chrX:71,101,370, C>T. VCF-style: chrX-71101370-C-T. GRCh37 (hg19) VCF-style: chrX-70321220-C-T.
Other names: c.975C>T, p.Asp325= (NM_001170931.2).
Identifiers: ClinVar variation 2660838 (VCV002660838.24), dbSNP rs199679716, ClinGen allele CA10443545.